The following is an entry in ClinVar:

NM_001376.5(DYNC1H1):c.7014+3A>G

Gene: DYNC1H1 (dynein cytoplasmic 1 heavy chain 1; plus strand). Cytogenetic location: 14q32.31.
Variant type: single nucleotide variant.
Coding change: c.7014+3A>G on transcript NM_001376.5 (MANE Select); 3 bases into the intron after coding-DNA position 7014, A replaced by G.
Molecular consequence: intron variant.
Genome position (GRCh38, 1-based): chr14:102,012,473, A>G. VCF-style: chr14-102012473-A-G. GRCh37 (hg19) VCF-style: chr14-102478810-A-G.
Identifiers: ClinVar variation 539756 (VCV000539756.6), dbSNP rs1426193095, ClinGen allele CA616580174.

ClinVar aggregate classification (germline): Uncertain significance (1 of 4 stars; one submission).

Conditions:
Charcot-Marie-Tooth disease axonal type 2O. Also called: CHARCOT-MARIE-TOOTH NEUROPATHY, AXONAL, TYPE 2O; CHARCOT-MARIE-TOOTH DISEASE, AXONAL, AUTOSOMAL DOMINANT, TYPE 2O; Charcot-Marie-Tooth Neuropathy Type 2O; Charcot-Marie-Tooth disease, axonal, type 20. Identifiers: Orphanet 284232, MedGen C3280220, MONDO:0013644, OMIM 614228.

Allele frequency attached by ClinVar (database versions not stated): gnomAD exomes below 0.00001.
gnomAD v4.1: 8 of 1,614,204 alleles (0.0005%); highest among the groups gnomAD compares: South Asian, 0.0077%; no homozygotes.

Submission:

Labcorp Genetics (formerly Invitae), Labcorp
Classification: Uncertain significance for Charcot-Marie-Tooth disease axonal type 2O. Last evaluated: 2024-05-26. Review status: criteria provided, single submitter. Criteria: Invitae Variant Classification Sherloc (09022015). Collection method: clinical testing. Allele origin: germline.
Comment: This sequence change falls in intron 34 of the DYNC1H1 gene. It does not directly change the encoded amino acid sequence of the DYNC1H1 protein. It affects a nucleotide within the consensus splice site. This variant is present in population databases (no rsID available, gnomAD 0.003%). This variant has not been reported in the literature in individuals affected with DYNC1H1-related conditions. ClinVar contains an entry for this variant (Variation ID: 539756). Variants that disrupt the consensus splice site are a relatively common cause of aberrant splicing (PMID: 17576681, 9536098). Algorithms developed to predict the effect of sequence changes on RNA splicing suggest that this variant is not likely to affect RNA splicing. In summary, the available evidence is currently insufficient to determine the role of this variant in disease. Therefore, it has been classified as a Variant of Uncertain Significance.

Literature cited by the submitters: PubMed 17576681; PubMed 9536098.